The following is an entry in ClinVar:

ClinVar aggregate classification (germline): Pathogenic. Review status: criteria provided, multiple submitters, no conflicts (2 of 4 stars). 2 submissions from 2 submitters: Pathogenic (2). Last evaluated 2026-01-25.

Conditions:
Amyloidosis, hereditary systemic 1 (AMYLD1). Also called: Hereditary oculoleptomeningeal amyloid angiopathy; Familial Transthyretin Amyloidosis; AMYLOID CARDIOMYOPATHY; Hereditary Transthyretin Amyloidosis; Familial amyloid polyneuropathy; Isolated Cardiac Amyloidosis. Identifiers: Orphanet 85447, Orphanet 85451, MedGen C2751492, MONDO:0971004, OMIM 105210.
Cardiovascular phenotype. Identifiers: MedGen CN230736.

Submissions (2):

Labcorp Genetics (formerly Invitae), Labcorp
Classification: Pathogenic for Amyloidosis, hereditary systemic 1. Last evaluated: 2026-01-25. Review status: criteria provided, single submitter. Criteria: Invitae Variant Classification Sherloc (09022015). Collection method: clinical testing. Allele origin: germline.
Comment: This sequence change replaces aspartic acid, which is acidic and polar, with glutamic acid, which is acidic and polar, at codon 38 of the TTR protein (p.Asp38Glu). This variant is not present in population databases (gnomAD no frequency). This missense change has been observed in individual(s) with familial transthyretin amyloidosis (PMID: 7599630, 23713495, 26656838). This variant is also known as p.D18E. ClinVar contains an entry for this variant (Variation ID: 1359774). Invitae Evidence Modeling of protein sequence and biophysical properties (such as structural, functional, and spatial information, amino acid conservation, physicochemical variation, residue mobility, and thermodynamic stability) indicates that this missense variant is expected to disrupt TTR protein function with a positive predictive value of 95%. This variant disrupts the p.Asp38 amino acid residue in TTR. Other variant(s) that disrupt this residue have been determined to be pathogenic (PMID: 8579098, 15820680, 20209591; internal data). This suggests that this residue is clinically significant, and that variants that disrupt this residue are likely to be disease-causing. For these reasons, this variant has been classified as Pathogenic.

Ambry Genetics
Classification: Pathogenic for Cardiovascular phenotype. Last evaluated: 2023-04-17. Review status: criteria provided, single submitter. Criteria: Ambry Variant Classification Scheme 2023. Collection method: clinical testing. Allele origin: germline.
Comment: The p.D38E pathogenic mutation (also known as c.114T>A), located in coding exon 2 of the TTR gene, results from a T to A substitution at nucleotide position 114. The aspartic acid at codon 38 is replaced by glutamic acid, an amino acid with highly similar properties. This variant (also referred to as D18E) was reported to cause complete absence of protein when analyzed by electrophoresis detection method (Atland et al 2007. Electrophoresis 2007 Jun;28(12):2053-64). A patient presenting with cardiomyopathy due to amyloid deposits was reported with this pathogenic mutation (Connors LH et al. Amyloid 2004; 11:61-6). This mutation was further described in a patient who presented with vitreous deposits of amyloid and a significant family history of amyloidosis who developed further amyloid deposits and required a heart/kidney/liver transplant (Solano JM et al. Ophthalmic Genet. 2007; 28:73-5). Other alterations at the same codon, including p.D38N (c.112G>A), have also been reported in association with amyloidosis (Quarta CC & Falk RH. Amyloid. 2012;19(4):204-7). This variant is considered to be rare based on population cohorts in the Genome Aggregation Database (gnomAD). In addition, this alteration is predicted to be deleterious by in silico analysis. Based on the supporting evidence, this alteration is interpreted as a disease-causing mutation.

Literature cited by the submitters: PubMed 7599630 (cited by Labcorp Genetics (formerly Invitae), Labcorp and Ambry Genetics); PubMed 23713495 (cited by Labcorp Genetics (formerly Invitae), Labcorp); PubMed 26656838 (cited by Labcorp Genetics (formerly Invitae), Labcorp); PubMed 8579098 (cited by Labcorp Genetics (formerly Invitae), Labcorp); PubMed 15820680 (cited by Labcorp Genetics (formerly Invitae), Labcorp); PubMed 20209591 (cited by Labcorp Genetics (formerly Invitae), Labcorp); PubMed 15185501 (cited by Ambry Genetics); PubMed 17503405 (cited by Ambry Genetics); PubMed 17558848 (cited by Ambry Genetics).

NM_000371.4(TTR):c.114T>A (p.Asp38Glu)

Gene: TTR (transthyretin; plus strand). Cytogenetic location: 18q12.1.
Variant type: single nucleotide variant.
Coding change: c.114T>A on transcript NM_000371.4 (MANE Select); coding-DNA position 114, T replaced by A.
Protein change: p.Asp38Glu; replaces aspartic acid 38 with glutamic acid.
Molecular consequence: missense variant.
Genome position (GRCh38, 1-based): chr18:31,592,940, T>A. VCF-style: chr18-31592940-T-A. GRCh37 (hg19) VCF-style: chr18-29172903-T-A.
Other names: c.114T>A (NM_000371.3); short protein forms D38E.
Identifiers: ClinVar variation 1359774 (VCV001359774.7), dbSNP rs779619795, ClinGen allele CA402156612.